The following is an entry in ClinVar:

NM_020975.6(RET):c.*1812C>A

Gene: RET (ret proto-oncogene; plus strand). Cytogenetic location: 10q11.21.
Variant type: single nucleotide variant.
Coding change: c.*1812C>A on transcript NM_020975.6 (MANE Select); 1812 bases downstream of the stop codon, C replaced by A.
Molecular consequence: 3 prime UTR variant.
Genome position (GRCh38, 1-based): chr10:43,130,081, C>A. VCF-style: chr10-43130081-C-A. GRCh37 (hg19) VCF-style: chr10-43625529-C-A.
Identifiers: ClinVar variation 877645 (VCV000877645.5), dbSNP rs183817000, ClinGen allele CA206268532.

ClinVar aggregate classification (germline): Conflicting classifications of pathogenicity. Review status: criteria provided, conflicting classifications (1 of 4 stars). 4 submissions from 1 submitter: Uncertain significance (1); Benign (2); Likely benign (1). Last evaluated 2018-01-12.

Conditions:
Multiple endocrine neoplasia. Identifiers: Orphanet 276161, MedGen C0027662, MONDO:0017169.
Pheochromocytoma. Also called: MAX-Related Hereditary Paraganglioma-Pheochromocytoma Syndrome. Identifiers: Orphanet 29072, MedGen C0031511, MONDO:0008233, OMIM 171300, HP:0002666.
Hirschsprung disease, susceptibility to, 1 (HSCR1). Also called: RET-Related Hirschsprung Disease. Identifiers: Orphanet 388, MedGen C3888239, MONDO:0007723, OMIM 142623.
Renal hypodysplasia/aplasia 1 (RHDA1). Also called: HEREDITARY RENAL APLASIA; RENAL APLASIA. Identifiers: Orphanet 411709, MedGen C1619700, MONDO:0024519, OMIM 191830.

Allele frequency attached by ClinVar (database versions not stated): gnomAD exomes 0.00020; 1000 Genomes Project 0.00080; gnomAD 0.00200 and 0.00220; TOPMed 0.00212.
gnomAD v4.1: 353 of 397,406 alleles (0.089%); highest among the groups gnomAD compares: African/African-American, 0.68%; 2 homozygotes.

Submissions (4):

Illumina Laboratory Services, Illumina
Classification: Benign for Pheochromocytoma. Last evaluated: 2018-01-12. Review status: criteria provided, single submitter. Criteria: ICSL Variant Classification Criteria 13 December 2019. Collection method: clinical testing. Allele origin: germline.
Comment: This variant was observed in the ICSL laboratory as part of a predisposition screen in an ostensibly healthy population. It had not been previously curated by ICSL or reported in the Human Gene Mutation Database (HGMD: prior to June 1st, 2018), and was therefore a candidate for classification through an automated scoring system. Utilizing variant allele frequency, disease prevalence and penetrance estimates, and inheritance mode, an automated score was calculated to assess if this variant is too frequent to cause the disease. Based on the score and internal cut-off values, a variant classified as benign is not then subjected to further curation. The score for this variant resulted in a classification of benign for this disease.

Illumina Laboratory Services, Illumina
Classification: Uncertain significance for Renal hypodysplasia/aplasia 1. Last evaluated: 2018-01-12. Review status: criteria provided, single submitter. Criteria: ICSL Variant Classification Criteria 13 December 2019. Collection method: clinical testing. Allele origin: germline.

Illumina Laboratory Services, Illumina
Classification: Likely benign for Hirschsprung disease, susceptibility to, 1. Last evaluated: 2018-01-12. Review status: criteria provided, single submitter. Criteria: ICSL Variant Classification Criteria 13 December 2019. Collection method: clinical testing. Allele origin: germline.
Comment: This variant was observed in the ICSL laboratory as part of a predisposition screen in an ostensibly healthy population. It had not been previously curated by ICSL or reported in the Human Gene Mutation Database (HGMD: prior to June 1st, 2018), and was therefore a candidate for classification through an automated scoring system. Utilizing variant allele frequency, disease prevalence and penetrance estimates, and inheritance mode, an automated score was calculated to assess if this variant is too frequent to cause the disease. Based on the score and internal cut-off values, a variant classified as likely benign is not then subjected to further curation. The score for this variant resulted in a classification of likely benign for this disease.

Illumina Laboratory Services, Illumina
Classification: Benign for Multiple endocrine neoplasia. Last evaluated: 2018-01-12. Review status: criteria provided, single submitter. Criteria: ICSL Variant Classification Criteria 13 December 2019. Collection method: clinical testing. Allele origin: germline.
Comment: the same text as in the submission from Illumina Laboratory Services, Illumina above.